The following is an entry in ClinVar:

ClinVar aggregate classification (germline): Conflicting classifications of pathogenicity. Review status: criteria provided, conflicting classifications (1 of 4 stars). 3 submissions from 3 submitters: Pathogenic (1); Likely pathogenic (1); Uncertain significance (1). Last evaluated 2025-07-31.

Conditions:
Neuronal ceroid lipofuscinosis. Also called: Neuronal Ceroid Lipofuscinoses. Identifiers: Orphanet 216, Orphanet 79263, MedGen C0027877, MONDO:0016295. Disease mechanism: loss of function.
Ceroid lipofuscinosis, neuronal, 6B (Kufs type). Also called: Neuronal ceroid lipofuscinosis 4A. Identifiers: Orphanet 700477, MedGen C5561927, MONDO:0008768, OMIM 204300.
Ceroid lipofuscinosis, neuronal, 6A. Also called: Neuronal ceroid lipofuscinosis, Gypsy/Indian early juvenile variant; Neuronal ceroid lipofuscinosis 6; CLN6-Related Neuronal Ceroid-Lipofuscinosis; Neuronal ceroid lipofuscinosis, late infantile, variant. Identifiers: Orphanet 168491, Orphanet 228363, MedGen C5551375, MONDO:0011144, OMIM 601780.

Allele frequency attached by ClinVar (database versions not stated): gnomAD exomes 0.00001.

Submissions (3):

Myriad Genetics, Inc.
Classification: Uncertain significance for Neuronal ceroid lipofuscinosis. Last evaluated: 2025-07-31. Review status: criteria provided, single submitter. Criteria: Myriad Autosomal Dominant, Autosomal Recessive and X-Linked Classification Criteria (2023). Collection method: clinical testing. Allele origin: unknown.
Comment: NM_017882.2(CLN6):c.358_366del9(F120_M122del) is an in-frame deletion classified as a variant of uncertain significance in the context of neuronal ceroid lipofuscinosis, CLN6-related. F120_M122del has not been observed in cases with relevant disease. Relevant functional assessments of this variant are not available in the literature. F120_M122del has been observed in referenced population frequency databases. In summary, there is insufficient evidence to classify NM_017882.2(CLN6):c.358_366del9(F120_M122del) as pathogenic or benign. Please note: this variant was assessed in the context of healthy population screening.

Labcorp Genetics (formerly Invitae), Labcorp
Classification: Pathogenic for Neuronal ceroid lipofuscinosis. Last evaluated: 2024-08-12. Review status: criteria provided, single submitter. Criteria: Invitae Variant Classification Sherloc (09022015). Collection method: clinical testing. Allele origin: germline.
Comment: This variant, c.358_366del, results in the deletion of 3 amino acid(s) of the CLN6 protein (p.Phe120_Met122del), but otherwise preserves the integrity of the reading frame. This variant is present in population databases (no rsID available, gnomAD 0.0009%). This variant has been observed in individual(s) with clinical features of neuronal ceroid lipofuscinosis (Invitae). It has also been observed to segregate with disease in related individuals. ClinVar contains an entry for this variant (Variation ID: 1449558). Experimental studies and prediction algorithms are not available or were not evaluated, and the functional significance of this variant is currently unknown. For these reasons, this variant has been classified as Pathogenic.

Fulgent Genetics
Classification: Likely pathogenic for Ceroid lipofuscinosis, neuronal, 6B (Kufs type); Ceroid lipofuscinosis, neuronal, 6A. Last evaluated: 2024-04-26. Review status: criteria provided, single submitter. Criteria: ACMG Guidelines, 2015. Collection method: clinical testing. Allele origin: germline.

NM_017882.3(CLN6):c.358_366del (p.Phe120_Met122del)

Gene: CLN6 (CLN6 transmembrane ER protein; minus strand). Cytogenetic location: 15q23.
Variant type: Deletion.
Coding change: c.358_366del on transcript NM_017882.3 (MANE Select); coding-DNA positions 358 to 366, 9 bases deleted (TTCATCATG; older notation c.358_366delTTCATCATG).
Protein change: p.Phe120_Met122del.
Molecular consequence: inframe deletion.
Genome position (GRCh38, 1-based): chr15:68,211,795-68,211,803, CATGATGAA deleted on the plus strand (TTCATCATG on the coding strand, the reverse complement: CLN6 is on the minus strand). VCF-style (leftmost placement, unchanged base first): chr15-68211794-CCATGATGAA-C. GRCh37 (hg19) VCF-style: chr15-68504132-CCATGATGAA-C.
Identifiers: ClinVar variation 1449558 (VCV001449558.8), dbSNP rs1401381423, ClinGen allele CA490912973.